The following is an entry in ClinVar:

ClinVar aggregate classification (germline): Uncertain significance (1 of 4 stars; one submission).

gnomAD v4.1: 13 of 1,612,860 alleles (0.00081%); highest among the groups gnomAD compares: Non-Finnish European, 0.0011%; no homozygotes.

Submission:

Labcorp Genetics (formerly Invitae), Labcorp
Classification: Uncertain significance. Last evaluated: 2025-12-06. Review status: criteria provided, single submitter. Criteria: Invitae Variant Classification Sherloc (09022015). Collection method: clinical testing. Allele origin: germline.
Comment: This sequence change replaces glutamic acid, which is acidic and polar, with glutamine, which is neutral and polar, at codon 826 of the PDE6B protein (p.Glu826Gln). This variant is not present in population databases (gnomAD no frequency). This variant has not been reported in the literature in individuals affected with PDE6B-related conditions. ClinVar contains an entry for this variant (Variation ID: 1060142). An algorithm developed to predict the effect of missense changes on protein structure and function outputs the following: PolyPhen-2: "Benign". The glutamine amino acid residue is found in multiple mammalian species, which suggests that this missense change does not adversely affect protein function. In summary, the available evidence is currently insufficient to determine the role of this variant in disease. Therefore, it has been classified as a Variant of Uncertain Significance.

NM_000283.4(PDE6B):c.2476G>C (p.Glu826Gln)

Gene: PDE6B (phosphodiesterase 6B; plus strand). Cytogenetic location: 4p16.3.
Variant type: single nucleotide variant.
Coding change: c.2476G>C on transcript NM_000283.4 (MANE Select); coding-DNA position 2476, G replaced by C.
Protein change: p.Glu826Gln; replaces glutamic acid 826 with glutamine.
Molecular consequence: missense variant. On other transcripts: intron variant (2).
Genome position (GRCh38, 1-based): chr4:667,979, G>C. VCF-style: chr4-667979-G-C. GRCh37 (hg19) VCF-style: chr4-661768-G-C.
Other names: c.2476G>C, p.Glu826Gln (NM_001145291.2); c.1639G>C, p.Glu547Gln (NM_001145292.2, NM_001379246.1, NM_001379247.1); c.1601+38G>C (NM_001350154.3); c.1283+38G>C (NM_001350155.3); short protein forms E547Q, E826Q.
Identifiers: ClinVar variation 1060142 (VCV001060142.9), dbSNP rs368110918, ClinGen allele CA355920649.